The following is an entry in ClinVar:

NM_015909.4(NBAS):c.41C>T (p.Thr14Ile)

Genes: NBAS (NBAS subunit of NRZ tethering complex; minus strand), LOC129933155 (ATAC-STARR-seq lymphoblastoid active region 15346; plus strand). Cytogenetic location: 2p24.3.
Variant type: single nucleotide variant.
Coding change: c.41C>T on transcript NM_015909.4 (MANE Select); coding-DNA position 41, C replaced by T.
Protein change: p.Thr14Ile; replaces threonine 14 with isoleucine.
Molecular consequence: missense variant. On other transcripts: non-coding transcript variant (1).
Genome position (GRCh38, 1-based): chr2:15,561,264, G>A on the plus strand (C>T on the coding strand, the complement: NBAS is on the minus strand). VCF-style: chr2-15561264-G-A. GRCh37 (hg19) VCF-style: chr2-15701388-G-A.
Other names: short protein forms T14I.
Identifiers: ClinVar variation 1718774 (VCV001718774.3), dbSNP rs2528056765, ClinGen allele CA345895181.

ClinVar aggregate classification (germline): Uncertain significance (1 of 4 stars; one submission).

Submission:

Labcorp Genetics (formerly Invitae), Labcorp
Classification: Uncertain significance. Last evaluated: 2022-09-03. Review status: criteria provided, single submitter. Criteria: Invitae Variant Classification Sherloc (09022015). Collection method: clinical testing. Allele origin: germline.
Comment: This sequence change replaces threonine, which is neutral and polar, with isoleucine, which is neutral and non-polar, at codon 14 of the NBAS protein (p.Thr14Ile). This variant is not present in population databases (gnomAD no frequency). This variant has not been reported in the literature in individuals affected with NBAS-related conditions. Algorithms developed to predict the effect of missense changes on protein structure and function are either unavailable or do not agree on the potential impact of this missense change (SIFT: "Deleterious"; PolyPhen-2: "Benign"; Align-GVGD: "Class C15"). In summary, the available evidence is currently insufficient to determine the role of this variant in disease. Therefore, it has been classified as a Variant of Uncertain Significance.